The following is an entry in ClinVar:

ClinVar aggregate classification (germline): Uncertain significance. Review status: criteria provided, multiple submitters, no conflicts (2 of 4 stars). 2 submissions from 2 submitters: Uncertain significance (2). Last evaluated 2023-11-06.

Allele frequency attached by ClinVar (database versions not stated): TOPMed 0.00002.
gnomAD v4.1: 20 of 1,613,938 alleles (0.0012%); highest among the groups gnomAD compares: East Asian, 0.027%; no homozygotes.

Submissions (2):

Ambry Genetics
Classification: Uncertain significance. Last evaluated: 2023-11-06. Review status: criteria provided, single submitter. Criteria: Ambry Variant Classification Scheme 2023. Collection method: clinical testing. Allele origin: germline.

Labcorp Genetics (formerly Invitae), Labcorp
Classification: Uncertain significance. Last evaluated: 2023-05-15. Review status: criteria provided, single submitter. Criteria: Invitae Variant Classification Sherloc (09022015). Collection method: clinical testing. Allele origin: germline.
Comment: This sequence change replaces valine, which is neutral and non-polar, with isoleucine, which is neutral and non-polar, at codon 1017 of the ADGRA3 protein (p.Val1017Ile). This variant is present in population databases (rs765544362, gnomAD 0.02%). This variant has not been reported in the literature in individuals affected with ADGRA3-related conditions. ClinVar contains an entry for this variant (Variation ID: 961270). An algorithm developed to predict the effect of missense changes on protein structure and function (PolyPhen-2) suggests that this variant is likely to be tolerated. In summary, the available evidence is currently insufficient to determine the role of this variant in disease. Therefore, it has been classified as a Variant of Uncertain Significance.

NM_145290.4(ADGRA3):c.3049G>A (p.Val1017Ile)

Gene: ADGRA3 (adhesion G protein-coupled receptor A3; minus strand). Cytogenetic location: 4p15.2.
Variant type: single nucleotide variant.
Coding change: c.3049G>A on transcript NM_145290.4 (MANE Select); coding-DNA position 3049, G replaced by A.
Protein change: p.Val1017Ile; replaces valine 1017 with isoleucine.
Molecular consequence: missense variant.
Genome position (GRCh38, 1-based): chr4:22,388,622, C>T on the plus strand (G>A on the coding strand, the complement: ADGRA3 is on the minus strand). VCF-style: chr4-22388622-C-T. GRCh37 (hg19) VCF-style: chr4-22390245-C-T.
Other names: c.3049G>A (NM_145290.2); short protein forms V1017I.
Identifiers: ClinVar variation 961270 (VCV000961270.10), dbSNP rs765544362, ClinGen allele CA2873453.